The following is an entry in ClinVar:

NM_000482.4(APOA4):c.1099A>T (p.Thr367Ser)

Gene: APOA4 (apolipoprotein A4; minus strand). Cytogenetic location: 11q23.3.
Variant type: single nucleotide variant.
Coding change: c.1099A>T on transcript NM_000482.4 (MANE Select); coding-DNA position 1099, A replaced by T.
Protein change: p.Thr367Ser; replaces threonine 367 with serine.
Molecular consequence: missense variant.
Genome position (GRCh38, 1-based): chr11:116,820,959, T>A on the plus strand (A>T on the coding strand, the complement: APOA4 is on the minus strand). VCF-style: chr11-116820959-T-A. GRCh37 (hg19) VCF-style: chr11-116691675-T-A.
Other names: short protein forms T367S.
Identifiers: ClinVar variation 1245704 (VCV001245704.11), dbSNP rs675, ClinGen allele CA6289243.
Genomic context (GRCh38, chr11:116,820,959, plus strand): 5'-GCTCCTGCTGCTGCTCCTGCTGCTGTTCCTGCTGTTGCTCCAGCTCAGGGAGGGAGAGAG[T>A]CTTGTCCTGGCTCTCTTTCTCCTTGAAGGTGCTGAAGAAGGAGTTGACCTTGTCCCTCAG-3'
Protein context (NP_000473.2, residues 357-377): TFKEKESQDK[Thr367Ser]LSLPELEQQQ

ClinVar aggregate classification (germline): Benign. Review status: criteria provided, multiple submitters, no conflicts (2 of 4 stars). 3 submissions from 3 submitters: Benign (3). Last evaluated 2026-02-03.

Allele frequency attached by ClinVar (database versions not stated): 1000 Genomes Project 0.09884; 1000 Genomes Project 30x 0.10103; TOPMed 0.15366; ESP Exome Variant Server 0.16854.
gnomAD v4.1: 286,754 of 1,613,684 alleles (18%); highest among the groups gnomAD compares: Middle Eastern, 24%; 27,179 homozygotes.

Submissions (3):

Labcorp Genetics (formerly Invitae), Labcorp
Classification: Benign. Last evaluated: 2026-02-03. Review status: criteria provided, single submitter. Criteria: Invitae Variant Classification Sherloc (09022015). Collection method: clinical testing. Allele origin: germline.

GeneDx
Classification: Benign. Last evaluated: 2021-05-04. Review status: criteria provided, single submitter. Criteria: GeneDx Variant Classification Process June 2021. Collection method: clinical testing. Allele origin: germline. Affected: yes.
Comment: This variant is associated with the following publications: (PMID: 1349197, 23096082, 12676816, 20117098)

Breakthrough Genomics
Classification: Benign. Review status: criteria provided, single submitter. Criteria: ACMG Guidelines, 2015. Collection method: not provided. Allele origin: germline. Inheritance: Unknown mechanism. Affected: yes.